The following is an entry in ClinVar:

NM_000090.4(COL3A1):c.204C>A (p.Asp68Glu)

Gene: COL3A1 (collagen type III alpha 1 chain; plus strand). Cytogenetic location: 2q32.2.
Variant type: single nucleotide variant.
Coding change: c.204C>A on transcript NM_000090.4 (MANE Select); coding-DNA position 204, C replaced by A.
Protein change: p.Asp68Glu; replaces aspartic acid 68 with glutamic acid.
Molecular consequence: missense variant.
Genome position (GRCh38, 1-based): chr2:188,984,884, C>A. VCF-style: chr2-188984884-C-A. GRCh37 (hg19) VCF-style: chr2-189849610-C-A.
Other names: short protein forms D68E.
Identifiers: ClinVar variation 928231 (VCV000928231.5), dbSNP rs368299739, ClinGen allele CA349847199.
Genomic context (GRCh38, chr2:188,984,884, plus strand): 5'-ACCATGCCAAATATGTGTCTGTGACTCAGGATCCGTTCTCTGCGATGACATAATATGTGA[C>A]GATCAAGAATTAGACTGCCCCAACCCAGAAATTCCATTTGGAGAATGTTGTGCAGTTTGC-3'
Protein context (NP_000081.2, residues 58-78): GSVLCDDIIC[Asp68Glu]DQELDCPNPE

ClinVar aggregate classification (germline): Uncertain significance (1 of 4 stars; one submission).

Conditions:
Familial thoracic aortic aneurysm and aortic dissection (TAAD). Also called: Thoracic aortic aneurysms and dissections. Identifiers: Orphanet 91387, MedGen C4707243, MONDO:0019625.

Submission:

Color Diagnostics, LLC DBA Color Health
Classification: Uncertain significance for Familial thoracic aortic aneurysm and aortic dissection. Last evaluated: 2023-12-05. Review status: criteria provided, single submitter. Criteria: ACMG Guidelines, 2015. Collection method: clinical testing. Allele origin: germline.
Comment: This missense variant replaces aspartic acid with glutamic acid at codon 68 of the COL3A1 protein. Computational prediction tools and conservation analyses are inconclusive regarding the impact of this variant on the protein function. Computational splicing tools suggest that this variant may not impact RNA splicing. To our knowledge, functional assays have not been performed for this variant nor has this variant been reported in individuals affected with cardiovascular disorders in the literature. This variant has not been identified in the general population by the Genome Aggregation Database (gnomAD). Available evidence is insufficient to determine the role of this variant in disease conclusively. Therefore, this variant is classified as a Variant of Uncertain Significance.